The following is an entry in ClinVar:

NM_001164508.2(NEB):c.3807A>C (p.Lys1269Asn)

Gene: NEB (nebulin; minus strand). Cytogenetic location: 2q23.3.
Variant type: single nucleotide variant.
Coding change: c.3807A>C on transcript NM_001164508.2 (MANE Select); coding-DNA position 3807, A replaced by C.
Protein change: p.Lys1269Asn; replaces lysine 1269 with asparagine.
Molecular consequence: missense variant.
Genome position (GRCh38, 1-based): chr2:151,675,359, T>G on the plus strand (A>C on the coding strand, the complement: NEB is on the minus strand). VCF-style: chr2-151675359-T-G. GRCh37 (hg19) VCF-style: chr2-152531873-T-G.
Other names: c.3807A>C, p.Lys1269Asn (NM_001164507.2, NM_001271208.2, NM_004543.5); short protein forms K1269N.
Identifiers: ClinVar variation 2070717 (VCV002070717.2), dbSNP rs574363877, ClinGen allele CA57654018.

ClinVar aggregate classification (germline): Uncertain significance. Review status: criteria provided, multiple submitters, no conflicts (2 of 4 stars). 2 submissions from 2 submitters: Uncertain significance (2). Last evaluated 2025-07-17.

Conditions:
Nemaline myopathy 2 (NEM2). Also called: Nemaline myopathy 2, autosomal recessive. Identifiers: MedGen C1850569, MONDO:0009725, OMIM 256030.

Allele frequency attached by ClinVar (database versions not stated): gnomAD exomes 0.00001; TOPMed 0.00001; gnomAD 0.00001.
gnomAD v4.1: 24 of 1,587,082 alleles (0.0015%); highest among the groups gnomAD compares: Non-Finnish European, 0.0018%; no homozygotes.

Submissions (2):

GeneDx
Classification: Uncertain significance. Last evaluated: 2025-07-17. Review status: criteria provided, single submitter. Criteria: GeneDx Variant Classification Process June 2021. Collection method: clinical testing. Allele origin: germline. Affected: yes.
Comment: Not observed at significant frequency in large population cohorts (gnomAD); In silico analysis suggests that this missense variant does not alter protein structure/function; Has not been previously published as pathogenic or benign to our knowledge

Labcorp Genetics (formerly Invitae), Labcorp
Classification: Uncertain significance for Nemaline myopathy 2. Last evaluated: 2021-08-31. Review status: criteria provided, single submitter. Criteria: Invitae Variant Classification Sherloc (09022015). Collection method: clinical testing. Allele origin: germline.
Comment: This sequence change replaces lysine with asparagine at codon 1269 of the NEB protein (p.Lys1269Asn). The lysine residue is moderately conserved and there is a moderate physicochemical difference between lysine and asparagine. This variant is not present in population databases (ExAC no frequency). This variant has not been reported in the literature in individuals affected with NEB-related conditions. Algorithms developed to predict the effect of missense changes on protein structure and function are either unavailable or do not agree on the potential impact of this missense change (SIFT: "Deleterious"; PolyPhen-2: "Not Available"; Align-GVGD: "Class C0"). In summary, the available evidence is currently insufficient to determine the role of this variant in disease. Therefore, it has been classified as a Variant of Uncertain Significance.